The following is an entry in ClinVar:

NM_018713.3(SLC30A10):c.217G>A (p.Gly73Ser)

Gene: SLC30A10 (solute carrier family 30 member 10; minus strand). Cytogenetic location: 1q41.
Variant type: single nucleotide variant.
Coding change: c.217G>A on transcript NM_018713.3 (MANE Select); coding-DNA position 217, G replaced by A.
Protein change: p.Gly73Ser; replaces glycine 73 with serine.
Molecular consequence: missense variant. On other transcripts: non-coding transcript variant (1), intron variant (1).
Genome position (GRCh38, 1-based): chr1:219,928,224, C>T on the plus strand (G>A on the coding strand, the complement: SLC30A10 is on the minus strand). VCF-style: chr1-219928224-C-T. GRCh37 (hg19) VCF-style: chr1-220101566-C-T.
Other names: c.452-1119G>A (NM_001376929.1); short protein forms G73S.
Identifiers: ClinVar variation 1467386 (VCV001467386.8), dbSNP rs1156515269, ClinGen allele CA344734092.

ClinVar aggregate classification (germline): Uncertain significance (1 of 4 stars; one submission).

gnomAD v4.1: 1 of 1,566,558 alleles (0.000064%); no homozygotes.

Submission:

Labcorp Genetics (formerly Invitae), Labcorp
Classification: Uncertain significance. Last evaluated: 2021-03-23. Review status: criteria provided, single submitter. Criteria: Invitae Variant Classification Sherloc (09022015). Collection method: clinical testing. Allele origin: germline.
Comment: In summary, the available evidence is currently insufficient to determine the role of this variant in disease. Therefore, it has been classified as a Variant of Uncertain Significance. Algorithms developed to predict the effect of sequence changes on RNA splicing suggest that this variant may create or strengthen a splice site, but this prediction has not been confirmed by published transcriptional studies. Algorithms developed to predict the effect of missense changes on protein structure and function are either unavailable or do not agree on the potential impact of this missense change (SIFT: "Deleterious"; PolyPhen-2: "Probably Damaging"; Align-GVGD: "Class C0"). This variant has not been reported in the literature in individuals with SLC30A10-related conditions. This variant is not present in population databases (ExAC no frequency). This sequence change replaces glycine with serine at codon 73 of the SLC30A10 protein (p.Gly73Ser). The glycine residue is highly conserved and there is a small physicochemical difference between glycine and serine.